The following is an entry in ClinVar:

NM_000718.4(CACNA1B):c.6868C>T (p.Arg2290Cys)

Gene: CACNA1B (calcium voltage-gated channel subunit alpha1 B; plus strand). Cytogenetic location: 9q34.3.
Variant type: single nucleotide variant.
Coding change: c.6868C>T on transcript NM_000718.4 (MANE Select); coding-DNA position 6868, C replaced by T.
Protein change: p.Arg2290Cys; replaces arginine 2290 with cysteine.
Molecular consequence: missense variant. On other transcripts: synonymous variant (1).
Genome position (GRCh38, 1-based): chr9:138,121,847, C>T. VCF-style: chr9-138121847-C-T. GRCh37 (hg19) VCF-style: chr9-141016299-C-T.
Other names: c.6681C>T, p.Ala2227= (NM_001243812.2); c.6868C>T (NM_000718.3); short protein forms R2290C.
Identifiers: ClinVar variation 1897338 (VCV001897338.6), dbSNP rs188712112, ClinGen allele CA5377823.

ClinVar aggregate classification (germline): Uncertain significance. Review status: criteria provided, multiple submitters, no conflicts (2 of 4 stars). 3 submissions from 3 submitters: Uncertain significance (3). Last evaluated 2025-10-24.

Conditions:
CACNA1B-related disorder. Also called: CACNA1B-related condition.

Allele frequency attached by ClinVar (database versions not stated): gnomAD 0.00006; TOPMed 0.00008; 1000 Genomes Project 0.00020; 1000 Genomes Project 30x 0.00031.

Submissions (3):

Ambry Genetics
Classification: Uncertain significance. Last evaluated: 2025-10-24. Review status: criteria provided, single submitter. Criteria: Ambry Variant Classification Scheme 2023. Collection method: clinical testing. Allele origin: germline.

PreventionGenetics, part of Exact Sciences
Classification: Uncertain significance for CACNA1B-related condition. Last evaluated: 2025-05-29. Review status: criteria provided, single submitter. Criteria: ACMG Guidelines, 2015. Collection method: clinical testing. Allele origin: germline.
Comment: The CACNA1B c.6868C>T variant is predicted to result in the amino acid substitution p.Arg2290Cys. To our knowledge, this variant has not been reported in the literature. This variant is reported in 0.0094% of alleles in individuals of European (Non-Finnish) descent in gnomAD. At this time, the clinical significance of this variant is uncertain due to the absence of conclusive functional and genetic evidence.

Labcorp Genetics (formerly Invitae), Labcorp
Classification: Uncertain significance. Last evaluated: 2022-10-18. Review status: criteria provided, single submitter. Criteria: Invitae Variant Classification Sherloc (09022015). Collection method: clinical testing. Allele origin: germline.
Comment: This sequence change replaces arginine, which is basic and polar, with cysteine, which is neutral and slightly polar, at codon 2290 of the CACNA1B protein (p.Arg2290Cys). This variant is present in population databases (rs188712112, gnomAD 0.01%). This variant has not been reported in the literature in individuals affected with CACNA1B-related conditions. Algorithms developed to predict the effect of missense changes on protein structure and function are either unavailable or do not agree on the potential impact of this missense change (SIFT: "Tolerated"; PolyPhen-2: "Probably Damaging"; Align-GVGD: "Class C0"). In summary, the available evidence is currently insufficient to determine the role of this variant in disease. Therefore, it has been classified as a Variant of Uncertain Significance.